The following is an entry in ClinVar:

NM_002473.6(MYH9):c.2977-10C>T

Gene: MYH9 (myosin heavy chain 9; minus strand). Cytogenetic location: 22q12.3.
Variant type: single nucleotide variant.
Coding change: c.2977-10C>T on transcript NM_002473.6 (MANE Select); 10 bases into the intron before coding-DNA position 2977, C replaced by T.
Molecular consequence: intron variant.
Genome position (GRCh38, 1-based): chr22:36,299,052, G>A on the plus strand (C>T on the coding strand, the complement: MYH9 is on the minus strand). VCF-style: chr22-36299052-G-A. GRCh37 (hg19) VCF-style: chr22-36695098-G-A.
Other names: c.2977-10C>T (NM_002473.5).
Identifiers: ClinVar variation 903605 (VCV000903605.8), dbSNP rs188843586, ClinGen allele CA10209782.
Genomic context (GRCh38, chr22:36,299,052, plus strand): 5'-TGTGAGGTTGGTGGTGAACTCAGCTATTCTGTCTTCCAGCAGTTTCTTTTCCTGGGGAGA[G>A]GGGAGTAGGCTGGCATTTAGTGTTGGTTGAGCACAGAACACTTGCTAGCCTCAAAGCATG-3'

ClinVar aggregate classification (germline): Conflicting classifications of pathogenicity. Review status: criteria provided, conflicting classifications (1 of 4 stars). 4 submissions from 3 submitters: Uncertain significance (1); Benign (1); Likely benign (1). 1 of the submissions does not count toward it. Last evaluated 2025-09-24.

Conditions:
Autosomal dominant nonsyndromic hearing loss 17. Also called: Deafness, autosomal dominant 17; Autosomal dominant nonsyndromic deafness 17. Identifiers: Orphanet 90635, MedGen C1863659, MONDO:0011350, OMIM 603622.
MYH9-related disorder. Identifiers: MedGen C1854520.

Allele frequency attached by ClinVar (database versions not stated): gnomAD 0.00001; TOPMed 0.00003; ExAC 0.00005; gnomAD exomes 0.00006; 1000 Genomes Project 0.00020; 1000 Genomes Project 30x 0.00047.
gnomAD v4.1: 22 of 1,613,952 alleles (0.0014%); highest among the groups gnomAD compares: East Asian, 0.04%; no homozygotes.

Submissions (4):

Labcorp Genetics (formerly Invitae), Labcorp
Classification: Likely benign. Last evaluated: 2025-09-24. Review status: criteria provided, single submitter. Criteria: Invitae Variant Classification Sherloc (09022015). Collection method: clinical testing. Allele origin: germline.

Illumina Laboratory Services, Illumina
Classification: Benign for MYH9-related disorder. Last evaluated: 2018-01-13. Review status: criteria provided, single submitter. Criteria: ICSL Variant Classification Criteria 13 December 2019. Collection method: clinical testing. Allele origin: germline.
Comment: This variant was observed in the ICSL laboratory as part of a predisposition screen in an ostensibly healthy population. It had not been previously curated by ICSL or reported in the Human Gene Mutation Database (HGMD: prior to June 1st, 2018), and was therefore a candidate for classification through an automated scoring system. Utilizing variant allele frequency, disease prevalence and penetrance estimates, and inheritance mode, an automated score was calculated to assess if this variant is too frequent to cause the disease. Based on the score and internal cut-off values, a variant classified as benign is not then subjected to further curation. The score for this variant resulted in a classification of benign for this disease.

Illumina Laboratory Services, Illumina
Classification: Uncertain significance for Autosomal dominant nonsyndromic hearing loss 17. Last evaluated: 2018-01-13. Review status: criteria provided, single submitter. Criteria: ICSL Variant Classification Criteria 13 December 2019. Collection method: clinical testing. Allele origin: germline.

PreventionGenetics, part of Exact Sciences
Classification: Likely benign for MYH9-related condition. Last evaluated: 2022-12-19. Review status: no assertion criteria provided. Collection method: clinical testing. Allele origin: germline. Not counted in ClinVar's aggregate classification.
Comment: This variant is classified as likely benign based on ACMG/AMP sequence variant interpretation guidelines (Richards et al. 2015 PMID: 25741868, with internal and published modifications).